The following is an entry in ClinVar:

NM_000297.4(PKD2):c.2262_2263del (p.Glu754fs)

Gene: PKD2 (polycystin 2, transient receptor potential cation channel; plus strand). Cytogenetic location: 4q22.1.
Variant type: Microsatellite.
Coding change: c.2262_2263del on transcript NM_000297.4 (MANE Select); coding-DNA positions 2262 to 2263, 2 bases deleted (GA; older notation c.2262_2263delGA).
Protein change: p.Glu754fs; shifts the reading frame from glutamic acid 754.
Molecular consequence: frameshift variant. On other transcripts: non-coding transcript variant (1).
Genome position (GRCh38, 1-based): chr4:88,065,783-88,065,784, GA deleted; deleting any 2 consecutive bases within chr4:88,065,780-88,065,784 gives the same sequence; the c. name uses the placement nearest the transcript's 3' end. VCF-style (leftmost placement, unchanged base first): chr4-88065779-CAG-C. GRCh37 (hg19) VCF-style: chr4-88986931-CAG-C.
Other names: c.2037_2038del, p.Glu679fs (NM_001440544.1); short protein forms E679fs, E754fs.
Identifiers: ClinVar variation 4293270 (VCV004293270.1).

ClinVar aggregate classification (germline): Likely pathogenic (1 of 4 stars; one submission).

Conditions:
Polycystic kidney disease 2 (PKD2). Also called: POLYCYSTIC KIDNEY DISEASE, ADULT, TYPE II; POLYCYSTIC KIDNEY DISEASE 2 WITH OR WITHOUT POLYCYSTIC LIVER DISEASE; Polycystic Kidney Disease 2, Autosomal Dominant. Identifiers: MedGen C2751306, MONDO:0013131, OMIM 613095.

Submission:

3billion
Classification: Likely pathogenic for Polycystic kidney disease 2. Last evaluated: 2024-11-26. Review status: criteria provided, single submitter. Criteria: ACMG Guidelines, 2015. Collection method: clinical testing. Allele origin: germline. Affected: yes.
Comment: The variant is observed at an extremely low frequency in the gnomAD v4.1.0 dataset (total allele frequency: <0.001%). Predicted Consequence/Location: Frameshift: predicted to result in a loss or disruption of normal protein function through nonsense-mediated decay (NMD) or protein truncation. Multiple pathogenic variants are reported downstream of the variant. Therefore, this variant is classified as Likely pathogenic according to the recommendation of ACMG/AMP guideline.